The following is an entry in ClinVar:

ClinVar aggregate classification (germline): Pathogenic (1 of 4 stars; one submission).

Conditions:
Glycine encephalopathy. Also called: Nonketotic hyperglycinemia; Non-ketotic hyperglycinemia. Identifiers: Orphanet 407, MedGen C0751748, MONDO:0011612, HP:0008288.

Submission:

Labcorp Genetics (formerly Invitae), Labcorp
Classification: Pathogenic for Glycine encephalopathy. Last evaluated: 2019-03-20. Review status: criteria provided, single submitter. Criteria: Invitae Variant Classification Sherloc (09022015). Collection method: clinical testing. Allele origin: germline.
Comment: For these reasons, this variant has been classified as Pathogenic. This variant disrupts the p.Gly994Arg amino acid residue in GLDC. Other variant(s) that disrupt this residue have been determined to be pathogenic (PMID:¬†27362913). This suggests that this residue is clinically-significant, and that variants that disrupt this residue are likely to be disease-causing. A similar deletion has been reported in an individual affected with glycine encephalopathy¬†(PMID:¬†16601880). This variant is a gross deletion of the genomic region encompassing exons 4-25 of the GLDC gene. The 5' boundary is likely confined to intron 3. The 3' end of this event is unknown as it extends through the termination codon beyond the assayed region for this gene and may encompass additional genes. While this deletion is not anticipated to result in nonsense mediated decay, it is expected to create a truncated protein product or disrupt mRNA translation.

NC_000009.12:g.(?_6533007)_(6610366_?)del

Gene: GLDC (glycine decarboxylase; minus strand). Cytogenetic location: 9p24.1.
Variant type: Deletion.
Identifiers: ClinVar variation 832281 (VCV000832281.10).